The following is an entry in ClinVar:

NM_031372.4(HNRNPDL):c.307G>C (p.Ala103Pro)

Gene: HNRNPDL (heterogeneous nuclear ribonucleoprotein D like; minus strand). Cytogenetic location: 4q21.22.
Variant type: single nucleotide variant.
Coding change: c.307G>C on transcript NM_031372.4 (MANE Select); coding-DNA position 307, G replaced by C.
Protein change: p.Ala103Pro; replaces alanine 103 with proline.
Molecular consequence: missense variant. On other transcripts: non-coding transcript variant (1).
Genome position (GRCh38, 1-based): chr4:82,429,384, C>G on the plus strand (G>C on the coding strand, the complement: HNRNPDL is on the minus strand). VCF-style: chr4-82429384-C-G. GRCh37 (hg19) VCF-style: chr4-83350537-C-G.
Other names: c.307G>C, p.Ala103Pro (NM_001207000.1); short protein forms A103P.
Identifiers: ClinVar variation 2328776 (VCV002328776.5), dbSNP rs767281029, ClinGen allele CA357172625.
Genomic context (GRCh38, chr4:82,429,384, plus strand): 5'-TATCCTCCATAGTGACGGAGCTGTCGGCAGGGGGGTGCTGGCGCGCAGTCCGGGTCGCGG[C>G]AGCAGCGGCGGCGGAGCGTTGTATGGAGCTGGATTTAAAATGGCGGCGGAAGAGATCCGG-3'
Protein context (NP_112740.1, residues 93-113): SSIQRSAAAA[Ala103Pro]ATRTARQHPP

ClinVar aggregate classification (germline): Uncertain significance. Review status: criteria provided, multiple submitters, no conflicts (2 of 4 stars). 2 submissions from 2 submitters: Uncertain significance (2). Last evaluated 2023-11-10.

Conditions:
Autosomal dominant limb-girdle muscular dystrophy type 1G (LGMDD3). Also called: Limb-girdle muscular dystrophy, type 1G; MUSCULAR DYSTROPHY, LIMB-GIRDLE, AUTOSOMAL DOMINANT 3. Identifiers: Orphanet 55596, MedGen C1836765, MONDO:0012193, OMIM 609115.

Submissions (2):

Labcorp Genetics (formerly Invitae), Labcorp
Classification: Uncertain significance for Autosomal dominant limb-girdle muscular dystrophy type 1G. Last evaluated: 2023-11-10. Review status: criteria provided, single submitter. Criteria: Invitae Variant Classification Sherloc (09022015). Collection method: clinical testing. Allele origin: germline.
Comment: This sequence change replaces alanine, which is neutral and non-polar, with proline, which is neutral and non-polar, at codon 103 of the HNRNPDL protein (p.Ala103Pro). This variant is not present in population databases (gnomAD no frequency). This variant has not been reported in the literature in individuals affected with HNRNPDL-related conditions. ClinVar contains an entry for this variant (Variation ID: 2328776). Algorithms developed to predict the effect of missense changes on protein structure and function output the following: SIFT: "Not Available"; PolyPhen-2: "Possibly Damaging"; Align-GVGD: "Not Available". The proline amino acid residue is found in multiple mammalian species, which suggests that this missense change does not adversely affect protein function. In summary, the available evidence is currently insufficient to determine the role of this variant in disease. Therefore, it has been classified as a Variant of Uncertain Significance.

Ambry Genetics
Classification: Uncertain significance. Last evaluated: 2022-11-21. Review status: criteria provided, single submitter. Criteria: Ambry Variant Classification Scheme 2023. Collection method: clinical testing. Allele origin: germline.